The following is an entry in ClinVar:

NM_001253852.3(AP4B1):c.230C>T (p.Pro77Leu)

Gene: AP4B1 (adaptor related protein complex 4 subunit beta 1; minus strand). Cytogenetic location: 1p13.2.
Variant type: single nucleotide variant.
Coding change: c.230C>T on transcript NM_001253852.3 (MANE Select); coding-DNA position 230, C replaced by T.
Protein change: p.Pro77Leu; replaces proline 77 with leucine.
Molecular consequence: missense variant. On other transcripts: intron variant (2).
Genome position (GRCh38, 1-based): chr1:113,902,746, G>A on the plus strand (C>T on the coding strand, the complement: AP4B1 is on the minus strand). VCF-style: chr1-113902746-G-A. GRCh37 (hg19) VCF-style: chr1-114445368-G-A.
Other names: c.230C>T, p.Pro77Leu (NM_006594.5); c.-56-12C>T (NM_001253853.3); c.113+1859C>T (NM_001308312.2); short protein forms P77L.
Identifiers: ClinVar variation 393216 (VCV000393216.3), dbSNP rs1057524841, ClinGen allele CA16603385.
Genomic context (GRCh38, chr1:113,902,746, plus strand): 5'-GGGTCTGAGCAGTCTTTGCACAGCGTATTGATGGCCAGGAGAGCCAGATCTGGTTTCAGG[G>A]GAGCATATGTGCACATGTACAGATAAACCAACTTCTTCTGGACAATATCTACAGTGGCAC-3'
Protein context (NP_001240781.1, residues 67-87): LVYLYMCTYA[Pro77Leu]LKPDLALLAI

ClinVar aggregate classification (germline): Uncertain significance (1 of 4 stars; one submission).

Submission:

GeneDx
Classification: Uncertain significance. Last evaluated: 2020-02-11. Review status: criteria provided, single submitter. Criteria: GeneDx Variant Classification Process June 2021. Collection method: clinical testing. Allele origin: germline. Affected: yes.
Comment: Not observed in large population cohorts (Lek et al., 2016); In silico analysis supports that this missense variant does not alter protein structure/function; Has not been previously published as pathogenic or benign to our knowledge